The following is an entry in ClinVar:

ClinVar aggregate classification (germline): Likely pathogenic. Review status: criteria provided, multiple submitters, no conflicts (2 of 4 stars). 3 submissions from 3 submitters: Likely pathogenic (2). 1 of the submissions does not count toward it. Last evaluated 2018-10-15.

Conditions:
Developmental and epileptic encephalopathy, 63. Also called: EPILEPTIC ENCEPHALOPATHY, EARLY INFANTILE, 63. Identifiers: MedGen C4693810, MONDO:0033372, OMIM 617976.
Abnormal brain morphology. Also called: Abnormality of brain morphology. Identifiers: MedGen C4021085, HP:0012443.

Submissions (3):

SIB Swiss Institute of Bioinformatics
Classification: Likely pathogenic for Developmental and epileptic encephalopathy, 63. Last evaluated: 2018-10-15. Review status: criteria provided, single submitter. Criteria: ACMG Guidelines, 2015. Collection method: curation. Allele origin: germline.
Comment: This variant is interpreted as Likely Pathogenic, for Epileptic encephalopathy, early infantile, 63, autosomal recessive. The following ACMG Tag(s) were applied: PM2 => Absent from controls (or at extremely low frequency if recessive) in Exome Sequencing Project, 1000 Genomes Project, or Exome Aggregation Consortium. PVS1-Strong => PVS1 downgraded in strength to Strong (PubMed 26539891).

Lupski Lab, Baylor-Hopkins CMG, Baylor College of Medicine
Classification: Likely pathogenic for Abnormal brain morphology. Review status: criteria provided, single submitter. Criteria: Karaca et al. (Neuron 2015). Collection method: research. Allele origin: inherited. Inheritance: Autosomal recessive inheritance. Affected: yes.
Comment: Homozygous stop gain

OMIM
Classification: Pathogenic for DEVELOPMENTAL AND EPILEPTIC ENCEPHALOPATHY 63. Last evaluated: 2020-11-17. Review status: no assertion criteria provided. Collection method: literature only. Allele origin: germline. Not counted in ClinVar's aggregate classification.

Literature cited by the submitters: PubMed 26539891 (cited by SIB Swiss Institute of Bioinformatics and OMIM).

NM_006651.4(CPLX1):c.322G>T (p.Glu108Ter)

Gene: CPLX1 (complexin 1; minus strand). Cytogenetic location: 4p16.3.
Variant type: single nucleotide variant.
Coding change: c.322G>T on transcript NM_006651.4 (MANE Select); coding-DNA position 322, G replaced by T.
Protein change: p.Glu108Ter; replaces glutamic acid 108 with a stop codon.
Molecular consequence: nonsense.
Genome position (GRCh38, 1-based): chr4:786,584, C>A on the plus strand (G>T on the coding strand, the complement: CPLX1 is on the minus strand). VCF-style: chr4-786584-C-A. GRCh37 (hg19) VCF-style: chr4-780372-C-A.
Other names: short protein forms E108*.
Identifiers: ClinVar variation 402136 (VCV000402136.3), dbSNP rs1060499735, ClinGen allele CA16609509.